The following is an entry in ClinVar:

ClinVar aggregate classification (germline): Likely benign (1 of 4 stars; one submission).

gnomAD v4.1: 2 of 1,614,218 alleles (0.00012%); highest among the groups gnomAD compares: Non-Finnish European, 0.000085%; no homozygotes.

Submission:

CeGaT Center for Human Genetics Tuebingen
Classification: Likely benign. Last evaluated: 2024-04-01. Review status: criteria provided, single submitter. Criteria: CeGaT Center For Human Genetics Tuebingen Variant Classification Criteria Version 2. Collection method: clinical testing. Allele origin: germline. Affected: yes. Observed: 1 variant allele.
Comment: SETX: BP4, BP7

NM_015046.7(SETX):c.5025A>T (p.Pro1675=)

Gene: SETX (senataxin; minus strand). Cytogenetic location: 9q34.13.
Variant type: single nucleotide variant.
Coding change: c.5025A>T on transcript NM_015046.7 (MANE Select); coding-DNA position 5025, A replaced by T.
Protein change: p.Pro1675=; no amino-acid change (proline 1675 retained).
Molecular consequence: synonymous variant.
Genome position (GRCh38, 1-based): chr9:132,326,573, T>A on the plus strand (A>T on the coding strand, the complement: SETX is on the minus strand). VCF-style: chr9-132326573-T-A. GRCh37 (hg19) VCF-style: chr9-135201960-T-A.
Other names: c.5025A>T, p.Pro1675= (NM_001351527.2, NM_001351528.2).
Identifiers: ClinVar variation 3234559 (VCV003234559.20), dbSNP rs772347772, ClinGen allele CA467504916.